The following is an entry in ClinVar:

ClinVar aggregate classification (germline): Uncertain significance (1 of 4 stars; one submission).

Submission:

GeneDx
Classification: Uncertain significance. Last evaluated: 2026-04-01. Review status: criteria provided, single submitter. Criteria: GeneDx Variant Classification Process June 2021. Collection method: clinical testing. Allele origin: germline.
Comment: Not observed at significant frequency in large population cohorts (gnomAD); In silico analysis suggests that this missense variant does not alter protein structure/function; Not located in the triple helical region, where the majority of pathogenic missense variants occur (HGMD; PMID: 25240749); Has not been previously published as pathogenic or benign to our knowledge; This variant is associated with the following publications: (PMID: 25240749)

NM_001854.4(COL11A1):c.1195G>A (p.Glu399Lys)

Gene: COL11A1 (collagen type XI alpha 1 chain; minus strand). Cytogenetic location: 1p21.1.
Variant type: single nucleotide variant.
Coding change: c.1195G>A on transcript NM_001854.4 (MANE Select); coding-DNA position 1195, G replaced by A.
Protein change: p.Glu399Lys; replaces glutamic acid 399 with lysine.
Molecular consequence: missense variant. On other transcripts: non-coding transcript variant (1), intron variant (1).
Genome position (GRCh38, 1-based): chr1:103,022,792, C>T on the plus strand (G>A on the coding strand, the complement: COL11A1 is on the minus strand). VCF-style: chr1-103022792-C-T. GRCh37 (hg19) VCF-style: chr1-103488348-C-T.
Other names: c.1078G>A, p.Glu360Lys (NM_001190709.2); c.1231G>A, p.Glu411Lys (NM_080629.3); c.898-1023G>A (NM_080630.4); short protein forms E360K, E399K, E411K.
Identifiers: ClinVar variation 5017008 (VCV005017008.1).
Genomic context (GRCh38, chr1:103,022,792, plus strand): 5'-ATCAACTTACGCTTGTTTCTGTAATATCAGTTTCTGCTGGTACACCTGGACCAAATTCTT[C>T]ATTAGGGGGGCTTGTTGGTTTATCTTCATATTCTTTATATTCATAAAAATCATATTCGCC-3'
Protein context (NP_001845.3, residues 389-409): YEDKPTSPPN[Glu399Lys]EFGPGVPAET